The following is an entry in ClinVar:

NM_001896.4(CSNK2A2):c.871A>G (p.Arg291Gly)

Gene: CSNK2A2 (casein kinase 2 alpha 2; minus strand). Cytogenetic location: 16q21.
Variant type: single nucleotide variant.
Coding change: c.871A>G on transcript NM_001896.4 (MANE Select); coding-DNA position 871, A replaced by G.
Protein change: p.Arg291Gly; replaces arginine 291 with glycine.
Molecular consequence: missense variant.
Genome position (GRCh38, 1-based): chr16:58,165,665, T>C on the plus strand (A>G on the coding strand, the complement: CSNK2A2 is on the minus strand). VCF-style: chr16-58165665-T-C. GRCh37 (hg19) VCF-style: chr16-58199569-T-C.
Other names: short protein forms R291G.
Identifiers: ClinVar variation 3390253 (VCV003390253.14).

ClinVar aggregate classification (germline): Uncertain significance (1 of 4 stars; one submission).

Submission:

CeGaT Center for Human Genetics Tuebingen
Classification: Uncertain significance. Last evaluated: 2024-11-01. Review status: criteria provided, single submitter. Criteria: CeGaT Center For Human Genetics Tuebingen Variant Classification Criteria Version 2. Collection method: clinical testing. Allele origin: germline. Affected: yes. Observed: 1 variant allele.
Comment: CSNK2A2: PM2, PP2